The following is an entry in ClinVar:

ClinVar aggregate classification (germline): Uncertain significance (1 of 4 stars; one submission).

Conditions:
Danon disease. Also called: PSEUDOGLYCOGENOSIS II; GSD IIb; LYSOSOMAL GLYCOGEN STORAGE DISEASE WITHOUT ACID MALTASE DEFICIENCY; ANTOPOL DISEASE; Glycogen Storage Disease Type IIb. Identifiers: Orphanet 34587, MedGen C0878677, MONDO:0010281, OMIM 300257.

Submission:

Labcorp Genetics (formerly Invitae), Labcorp
Classification: Uncertain significance for Danon disease. Last evaluated: 2018-05-02. Review status: criteria provided, single submitter. Criteria: Invitae Variant Classification Sherloc (09022015). Collection method: clinical testing. Allele origin: germline.
Comment: In summary, the available evidence is currently insufficient to determine the role of this variant in disease. Therefore, it has been classified as a Variant of Uncertain Significance. Algorithms developed to predict the effect of missense changes on protein structure and function do not agree on the potential impact of this missense change (SIFT: "Tolerated"; PolyPhen-2: "Possibly Damaging"; Align-GVGD: "Class C0"). This variant has not been reported in the literature in individuals with LAMP2-related disease. This variant is not present in population databases (ExAC no frequency). This sequence change replaces isoleucine with threonine at codon 88 of the LAMP2 protein (p.Ile88Thr). The isoleucine residue is moderately conserved and there is a moderate physicochemical difference between isoleucine and threonine.

NM_002294.3(LAMP2):c.263T>C (p.Ile88Thr)

Gene: LAMP2 (lysosome associated membrane protein 2; minus strand). Cytogenetic location: Xq24.
Variant type: single nucleotide variant.
Coding change: c.263T>C on transcript NM_002294.3 (MANE Select); coding-DNA position 263, T replaced by C.
Protein change: p.Ile88Thr; replaces isoleucine 88 with threonine.
Molecular consequence: missense variant.
Genome position (GRCh38, 1-based): chrX:120,455,491, A>G on the plus strand (T>C on the coding strand, the complement: LAMP2 is on the minus strand). VCF-style: chrX-120455491-A-G. GRCh37 (hg19) VCF-style: chrX-119589346-A-G.
Other names: c.263T>C, p.Ile88Thr (NM_001122606.1, NM_013995.2); short protein forms I88T.
Identifiers: ClinVar variation 576553 (VCV000576553.8), dbSNP rs1569371283, ClinGen allele CA414403284.